The following is an entry in ClinVar:

NM_000350.3(ABCA4):c.161-1G>A

Gene: ABCA4 (ATP binding cassette subfamily A member 4; minus strand). Cytogenetic location: 1p22.1.
Variant type: single nucleotide variant.
Coding change: c.161-1G>A on transcript NM_000350.3 (MANE Select); the canonical splice acceptor site of the intron before coding-DNA position 161, G replaced by A.
Molecular consequence: splice acceptor variant.
Genome position (GRCh38, 1-based): chr1:94,111,580, C>T on the plus strand (G>A on the coding strand, the complement: ABCA4 is on the minus strand). VCF-style: chr1-94111580-C-T. GRCh37 (hg19) VCF-style: chr1-94577136-C-T.
Identifiers: ClinVar variation 2202814 (VCV002202814.6), dbSNP rs1231942062, ClinGen allele CA341285646.

ClinVar aggregate classification (germline): Pathogenic. Review status: criteria provided, multiple submitters, no conflicts (2 of 4 stars). 3 submissions from 3 submitters: Pathogenic (3). Last evaluated 2026-09-08.

Conditions:
Retinal dystrophy. Also called: Inherited retinal dystrophy. Identifiers: Orphanet 71862, MedGen C0854723, MeSH D058499, MONDO:0019118, HP:0000556.
Cone-rod dystrophy 3 (CORD3). Identifiers: Orphanet 1872, MedGen C1858806, MONDO:0011395, OMIM 604116.

Submissions (3):

Institute of Medical Genetics and Applied Genomics, University Hospital Tübingen
Classification: Pathogenic for Cone-rod dystrophy 3. Last evaluated: 2026-09-08. Review status: criteria provided, single submitter. Criteria: ACMG Guidelines, 2015. Collection method: clinical testing. Allele origin: germline. Inheritance: Autosomal recessive inheritance. Affected: yes.

Labcorp Genetics (formerly Invitae), Labcorp
Classification: Pathogenic. Last evaluated: 2022-05-13. Review status: criteria provided, single submitter. Criteria: Invitae Variant Classification Sherloc (09022015). Collection method: clinical testing. Allele origin: germline.
Comment: For these reasons, this variant has been classified as Pathogenic. Algorithms developed to predict the effect of sequence changes on RNA splicing suggest that this variant may disrupt the consensus splice site. Disruption of this splice site has been observed in individual(s) with Stargardt disease (PMID: 28559085, 29925512, 30204727). In at least one individual the data is consistent with being in trans (on the opposite chromosome) from a pathogenic variant. This variant is not present in population databases (gnomAD no frequency). This sequence change affects an acceptor splice site in intron 2 of the ABCA4 gene. It is expected to disrupt RNA splicing. Variants that disrupt the donor or acceptor splice site typically lead to a loss of protein function (PMID: 16199547), and loss-of-function variants in ABCA4 are known to be pathogenic (PMID: 10958761, 24938718, 25312043, 26780318).

Institute of Human Genetics, Univ. Regensburg, Univ. Regensburg
Classification: Pathogenic for Retinal dystrophy. Last evaluated: 2009-01-01. Review status: criteria provided, single submitter. Criteria: ACMG Guidelines, 2015. Collection method: clinical testing. Allele origin: germline. Affected: yes.

Literature cited by the submitters: PubMed 28559085 (cited by Labcorp Genetics (formerly Invitae), Labcorp and Institute of Human Genetics, Univ. Regensburg, Univ. Regensburg); PubMed 29925512 (cited by Labcorp Genetics (formerly Invitae), Labcorp and Institute of Human Genetics, Univ. Regensburg, Univ. Regensburg); PubMed 30204727 (cited by Labcorp Genetics (formerly Invitae), Labcorp and Institute of Human Genetics, Univ. Regensburg, Univ. Regensburg); PubMed 16199547 (cited by Labcorp Genetics (formerly Invitae), Labcorp); PubMed 10958761 (cited by Labcorp Genetics (formerly Invitae), Labcorp); PubMed 24938718 (cited by Labcorp Genetics (formerly Invitae), Labcorp); PubMed 25312043 (cited by Labcorp Genetics (formerly Invitae), Labcorp); PubMed 26780318 (cited by Labcorp Genetics (formerly Invitae), Labcorp); PubMed 28446513 (cited by Institute of Human Genetics, Univ. Regensburg, Univ. Regensburg).